The following is an entry in ClinVar:

ClinVar aggregate classification (germline): Uncertain significance (1 of 4 stars; one submission).

gnomAD v4.1: 1 of 1,613,006 alleles (0.000062%); highest among the groups gnomAD compares: Non-Finnish European, 0.000085%; no homozygotes.

Submission:

Dasa
Classification: Uncertain significance. Last evaluated: 2025-06-19. Review status: criteria provided, single submitter. Criteria: DASA Assertion Criteria. Collection method: clinical testing. Allele origin: germline.
Comment: NM_016247.4(IMPG2):c.1550C>G (p.Ala517Gly) is a missense variant that results in the substitution of alanine with glycine. This variant is rare in population databases. Computational prediction algorithms are consistent with a benign effect. The currently available literature and clinical evidence are not sufficient to establish a definitive association between this variant and the reported condition. Therefore, this variant is classified as a variant of uncertain significance.

NM_016247.4(IMPG2):c.1550C>G (p.Ala517Gly)

Gene: IMPG2 (interphotoreceptor matrix proteoglycan 2; minus strand). Cytogenetic location: 3q12.3.
Variant type: single nucleotide variant.
Coding change: c.1550C>G on transcript NM_016247.4 (MANE Select); coding-DNA position 1550, C replaced by G.
Protein change: p.Ala517Gly; replaces alanine 517 with glycine.
Molecular consequence: missense variant.
Genome position (GRCh38, 1-based): chr3:101,244,781, G>C on the plus strand (C>G on the coding strand, the complement: IMPG2 is on the minus strand). VCF-style: chr3-101244781-G-C. GRCh37 (hg19) VCF-style: chr3-100963625-G-C.
Other names: short protein forms A517G.
Identifiers: ClinVar variation 5020936 (VCV005020936.1).
Genomic context (GRCh38, chr3:101,244,781, plus strand): 5'-GTGAATGAACTTGAAGGCAATGAATCAATAGAAAGAAAATCTTCTGACTCTTCAACATTG[G>C]CTAATCCTAAAAATAAAGTTTTCCATTAATTAATCTACAGAGTTGCCAAAATGTATTCCT-3'
Protein context (NP_057331.2, residues 507-527): SGSHLVEDGL[Ala517Gly]NVEESEDFLS